The following is an entry in ClinVar:

NM_022095.4(ZNF335):c.133G>T (p.Ala45Ser)

Gene: ZNF335 (zinc finger protein 335; minus strand). Cytogenetic location: 20q13.12.
Variant type: single nucleotide variant.
Coding change: c.133G>T on transcript NM_022095.4 (MANE Select); coding-DNA position 133, G replaced by T.
Protein change: p.Ala45Ser; replaces alanine 45 with serine.
Molecular consequence: missense variant.
Genome position (GRCh38, 1-based): chr20:45,971,278, C>A on the plus strand (G>T on the coding strand, the complement: ZNF335 is on the minus strand). VCF-style: chr20-45971278-C-A. GRCh37 (hg19) VCF-style: chr20-44599917-C-A.
Other names: short protein forms A45S.
Identifiers: ClinVar variation 1942166 (VCV001942166.6), dbSNP rs773051766, ClinGen allele CA9886214.

ClinVar aggregate classification (germline): Conflicting classifications of pathogenicity. Review status: criteria provided, conflicting classifications (1 of 4 stars). 2 submissions from 2 submitters: Uncertain significance (1); Likely benign (1). Last evaluated 2026-09-01.

Allele frequency attached by ClinVar (database versions not stated): gnomAD exomes below 0.00001; gnomAD 0.00001; ExAC 0.00004.

Submissions (2):

CeGaT Center for Human Genetics Tuebingen
Classification: Likely benign. Last evaluated: 2026-09-01. Review status: criteria provided, single submitter. Criteria: CeGaT Center For Human Genetics Tuebingen Variant Classification Criteria Version 2. Collection method: clinical testing. Allele origin: germline. Affected: yes. Observed: 1 variant allele.
Comment: ZNF335: BP4

Labcorp Genetics (formerly Invitae), Labcorp
Classification: Uncertain significance. Last evaluated: 2022-11-08. Review status: criteria provided, single submitter. Criteria: Invitae Variant Classification Sherloc (09022015). Collection method: clinical testing. Allele origin: germline.
Comment: In summary, the available evidence is currently insufficient to determine the role of this variant in disease. Therefore, it has been classified as a Variant of Uncertain Significance. Algorithms developed to predict the effect of missense changes on protein structure and function (SIFT, PolyPhen-2, Align-GVGD) all suggest that this variant is likely to be tolerated. This variant has not been reported in the literature in individuals affected with ZNF335-related conditions. The frequency data for this variant in the population databases is considered unreliable, as metrics indicate poor data quality at this position in the gnomAD database. This sequence change replaces alanine, which is neutral and non-polar, with serine, which is neutral and polar, at codon 45 of the ZNF335 protein (p.Ala45Ser).